The following is an entry in ClinVar:

NM_003119.4(SPG7):c.2246C>T (p.Pro749Leu)

Gene: SPG7 (SPG7 matrix AAA peptidase subunit, paraplegin; plus strand). Cytogenetic location: 16q24.3.
Variant type: single nucleotide variant.
Coding change: c.2246C>T on transcript NM_003119.4 (MANE Select); coding-DNA position 2246, C replaced by T.
Protein change: p.Pro749Leu; replaces proline 749 with leucine.
Molecular consequence: missense variant. On other transcripts: 3 prime UTR variant (1).
Genome position (GRCh38, 1-based): chr16:89,556,951, C>T. VCF-style: chr16-89556951-C-T. GRCh37 (hg19) VCF-style: chr16-89623359-C-T.
Other names: c.*24C>T (NM_001363850.1); short protein forms P749L.
Identifiers: ClinVar variation 1806848 (VCV001806848.7), dbSNP rs753956374, ClinGen allele CA8244631.
Genomic context (GRCh38, chr16:89,556,951, plus strand): 5'-CAAACGCCCTTCTGGAAAAGGAAGTGATAAACTATGAGGACATTGAGGCTCTCATTGGCC[C>T]GCCGCCCCATGGGCCGAAGAAAATGATCGCACCGCAGAGGTGGATCGACGCCCAGAGGGA-3'
Protein context (NP_003110.1, residues 739-759): NYEDIEALIG[Pro749Leu]PPHGPKKMIA

ClinVar aggregate classification (germline): Conflicting classifications of pathogenicity. Review status: criteria provided, conflicting classifications (1 of 4 stars). 6 submissions from 6 submitters: Pathogenic (1); Likely pathogenic (3); Uncertain significance (2). Last evaluated 2025-12-19.

Conditions:
Hereditary spastic paraplegia 7 (SPG7). Also called: Autosomal recessive spastic paraplegia type 7; Spastic paraplegia 7; Hereditary spastic paraplegia Paraplegin type; SPASTIC PARAPLEGIA 7, AUTOSOMAL RECESSIVE, WITH OR WITHOUT CEREBELLAR ATAXIA; SPG7-related neurologic disorder. Identifiers: Orphanet 99013, MedGen C1846564, MONDO:0011803, OMIM 607259.

Allele frequency attached by ClinVar (database versions not stated): gnomAD exomes 0.00001; TOPMed 0.00001; ExAC 0.00002; gnomAD 0.00003.
gnomAD v4.1: 27 of 1,613,934 alleles (0.0017%); highest among the groups gnomAD compares: Non-Finnish European, 0.002%; no homozygotes.

Submissions (6):

Labcorp Genetics (formerly Invitae), Labcorp
Classification: Pathogenic for Hereditary spastic paraplegia 7. Last evaluated: 2025-12-19. Review status: criteria provided, single submitter. Criteria: Invitae Variant Classification Sherloc (09022015). Collection method: clinical testing. Allele origin: germline.
Comment: This sequence change replaces proline, which is neutral and non-polar, with leucine, which is neutral and non-polar, at codon 749 of the SPG7 protein (p.Pro749Leu). This variant is present in population databases (rs753956374, gnomAD 0.003%). This missense change has been observed in individual(s) with spastic paraplegia (PMID: 32157584, 33774748). In at least one individual the data is consistent with being in trans (on the opposite chromosome) from a pathogenic variant. ClinVar contains an entry for this variant (Variation ID: 1806848). Invitae Evidence Modeling of protein sequence and biophysical properties (such as structural, functional, and spatial information, amino acid conservation, physicochemical variation, residue mobility, and thermodynamic stability) indicates that this missense variant is expected to disrupt SPG7 protein function with a positive predictive value of 80%. For these reasons, this variant has been classified as Pathogenic.

Fulgent Genetics
Classification: Likely pathogenic for Hereditary spastic paraplegia 7. Last evaluated: 2024-04-03. Review status: criteria provided, single submitter. Criteria: ACMG Guidelines, 2015. Collection method: clinical testing. Allele origin: germline.

Women's Health and Genetics/Laboratory Corporation of America, LabCorp
Classification: Uncertain significance. Last evaluated: 2023-12-01. Review status: criteria provided, single submitter. Criteria: LabCorp Variant Classification Summary - May 2015. Collection method: clinical testing. Allele origin: germline.
Comment: Variant summary: SPG7 c.2246C>T (p.Pro749Leu) results in a non-conservative amino acid change in the encoded protein sequence. Five of five in-silico tools predict a damaging effect of the variant on protein function. The variant allele was found at a frequency of 1.2e-05 in 251352 control chromosomes. c.2246C>T has been reported in the literature in settings of multi-gene panel testing in multiple compound heterozygous individuals affected with spastic ataxia (e.g. Wan_2021, Bogdanova-Mihaylova_2021). These data indicate that the variant may be associated with disease. To our knowledge, no experimental evidence demonstrating an impact on protein function has been reported. The following publications have been ascertained in the context of this evaluation (PMID: 33774748, 34284285). One submitter has cited clinical-significance assessments for this variant to ClinVar after 2014 and has classified the variant as likely pathogenic. Based on the evidence outlined above, the variant was classified as VUS-possibly pathogenic.

Athena Diagnostics
Classification: Likely pathogenic. Last evaluated: 2022-07-20. Review status: criteria provided, single submitter. Criteria: Athena Diagnostics Criteria. Collection method: clinical testing. Allele origin: unknown.
Comment: The frequency of this variant in the general population is consistent with pathogenicity. In multiple individuals, this variant has been seen with a single recessive pathogenic variant in the same gene, suggesting this variant may also be pathogenic. Computational tools predict that this variant is damaging.

Blueprint Genetics
Classification: Uncertain significance. Last evaluated: 2018-09-28. Review status: criteria provided, single submitter. Criteria: ACMG Guidelines, 2015. Collection method: clinical testing. Allele origin: germline.

Juno Genomics, Hangzhou Juno Genomics, Inc
Classification: Likely pathogenic for Hereditary spastic paraplegia 7. Review status: criteria provided, single submitter. Criteria: ACMG Guidelines, 2015. Collection method: clinical testing. Allele origin: germline.
Comment: Absent from controls (or at extremely low frequency if recessive) in Genome Aggregation Database.;For recessive disorders, detected in trans with a pathogenic variant.;Patient's phenotype or family history is highly specific for a disease with a single genetic etiology.

Literature cited by the submitters: PubMed 32157584 (cited by Labcorp Genetics (formerly Invitae), Labcorp and Athena Diagnostics); PubMed 33774748 (cited by 3 submitters); PubMed 34284285 (cited by Women's Health and Genetics/Laboratory Corporation of America, LabCorp and Athena Diagnostics); PubMed 32816195 (cited by Athena Diagnostics).